The following is an entry in ClinVar:

NM_003074.4(SMARCC1):c.1490C>T (p.Thr497Met)

Gene: SMARCC1 (SWI/SNF related BAF chromatin remodeling complex subunit C1; minus strand). Cytogenetic location: 3p21.31.
Variant type: single nucleotide variant.
Coding change: c.1490C>T on transcript NM_003074.4 (MANE Select); coding-DNA position 1490, C replaced by T.
Protein change: p.Thr497Met; replaces threonine 497 with methionine.
Molecular consequence: missense variant.
Genome position (GRCh38, 1-based): chr3:47,678,279, G>A on the plus strand (C>T on the coding strand, the complement: SMARCC1 is on the minus strand). VCF-style: chr3-47678279-G-A. GRCh37 (hg19) VCF-style: chr3-47719769-G-A.
Other names: short protein forms T497M.
Identifiers: ClinVar variation 4082619 (VCV004082619.1).

ClinVar aggregate classification (germline): Uncertain significance (1 of 4 stars; one submission).

gnomAD v4.1: 4 of 1,596,870 alleles (0.00025%); highest among the groups gnomAD compares: South Asian, 0.0011%; no homozygotes.

Submission:

GeneDx
Classification: Uncertain significance. Last evaluated: 2025-03-03. Review status: criteria provided, single submitter. Criteria: GeneDx Variant Classification Process June 2021. Collection method: clinical testing. Allele origin: germline. Affected: yes.
Comment: Not observed at significant frequency in large population cohorts (gnomAD); In silico analysis supports that this missense variant has a deleterious effect on protein structure/function; Has not been previously published as pathogenic or benign to our knowledge